The following is an entry in ClinVar:

NM_206933.4(USH2A):c.14952G>A (p.Pro4984=)

Gene: USH2A (usherin; minus strand). Cytogenetic location: 1q41.
Variant type: single nucleotide variant.
Coding change: c.14952G>A on transcript NM_206933.4 (MANE Select); coding-DNA position 14952, G replaced by A.
Protein change: p.Pro4984=; no amino-acid change (proline 4984 retained).
Molecular consequence: synonymous variant.
Genome position (GRCh38, 1-based): chr1:215,640,574, C>T on the plus strand (G>A on the coding strand, the complement: USH2A is on the minus strand). VCF-style: chr1-215640574-C-T. GRCh37 (hg19) VCF-style: chr1-215813916-C-T.
Other names: c.14952G>A (NM_206933.2).
Identifiers: ClinVar variation 1149750 (VCV001149750.10), dbSNP rs547831528, ClinGen allele CA1392873.
Genomic context (GRCh38, chr1:215,640,574, plus strand): 5'-AACAGAGCGCCTTCCACACTGAGAAACAGGAGTCAGAAACTAACTTTTGTCCGCCGTTCT[C>T]GGTATGTAGAGGGTGGTGTCCAAGCCGCTGTACACGCGTCGCCCTCCGTCGGTTAACACG-3'
Protein context (NP_996816.3, residues 4974-4994): YSGLDTTLYI[Pro4984=]RTADKTFFFQ

ClinVar aggregate classification (germline): Likely benign. Review status: criteria provided, multiple submitters, no conflicts (2 of 4 stars). 2 submissions from 2 submitters: Likely benign (2). Last evaluated 2026-09-02.

Conditions:
USH2A-related disorder. Also called: USH2A-related condition; USH2A-related disorders. Identifiers: MedGen CN239332.

Allele frequency attached by ClinVar (database versions not stated): gnomAD exomes 0.00001; ExAC 0.00002; gnomAD 0.00003; TOPMed 0.00003; 1000 Genomes Project 30x 0.00016; 1000 Genomes Project 0.00020.
gnomAD v4.1: 23 of 1,613,840 alleles (0.0014%); highest among the groups gnomAD compares: Middle Eastern, 0.017%; no homozygotes.

Submissions (2):

PreventionGenetics, part of Exact Sciences
Classification: Likely benign for USH2A-related condition. Last evaluated: 2026-09-02. Review status: criteria provided, single submitter. Criteria: ACMG Guidelines, 2015. Collection method: clinical testing. Allele origin: germline.
Comment: This variant is classified as likely benign based on ACMG/AMP sequence variant interpretation guidelines (Richards et al. 2015 PMID: 25741868, with internal and published modifications).

Labcorp Genetics (formerly Invitae), Labcorp
Classification: Likely benign. Last evaluated: 2024-05-30. Review status: criteria provided, single submitter. Criteria: Invitae Variant Classification Sherloc (09022015). Collection method: clinical testing. Allele origin: germline.